The following is an entry in ClinVar:

NM_000081.4(LYST):c.406A>G (p.Lys136Glu)

Gene: LYST (lysosomal trafficking regulator; minus strand). Cytogenetic location: 1q42.3.
Variant type: single nucleotide variant.
Coding change: c.406A>G on transcript NM_000081.4 (MANE Select); coding-DNA position 406, A replaced by G.
Protein change: p.Lys136Glu; replaces lysine 136 with glutamic acid.
Molecular consequence: missense variant.
Genome position (GRCh38, 1-based): chr1:235,810,412, T>C on the plus strand (A>G on the coding strand, the complement: LYST is on the minus strand). VCF-style: chr1-235810412-T-C. GRCh37 (hg19) VCF-style: chr1-235973712-T-C.
Other names: c.406A>G, p.Lys136Glu (NM_001301365.1); short protein forms K136E.
Identifiers: ClinVar variation 1897072 (VCV001897072.2), dbSNP rs2527132266, ClinGen allele CA344965283.
Genomic context (GRCh38, chr1:235,810,412, plus strand): 5'-TTACAGAATAGCGATGGGTAATTTTACGCTGTCGTCTGCTTTTTCGAAAAACATTTACTT[T>C]TGCAGAAACCTGACTAGACAGGGCACTTCCTTCTAAATGTAATTTTTCCTGAGTGGATCT-3'
Protein context (NP_000072.2, residues 126-146): GSALSSQVSA[Lys136Glu]VNVFRKSRRQ

ClinVar aggregate classification (germline): Uncertain significance (1 of 4 stars; one submission).

Conditions:
Chédiak-Higashi syndrome (CHS). Also called: Chediak-Higashi Syndrome. Identifiers: Orphanet 167, MedGen C0007965, MONDO:0008963, OMIM 214500.

gnomAD v4.1: 1 of 1,612,358 alleles (0.000062%); no homozygotes.

Submission:

Labcorp Genetics (formerly Invitae), Labcorp
Classification: Uncertain significance for Chédiak-Higashi syndrome. Last evaluated: 2022-03-31. Review status: criteria provided, single submitter. Criteria: Invitae Variant Classification Sherloc (09022015). Collection method: clinical testing. Allele origin: germline.
Comment: This sequence change replaces lysine, which is basic and polar, with glutamic acid, which is acidic and polar, at codon 136 of the LYST protein (p.Lys136Glu). This variant is not present in population databases (gnomAD no frequency). This variant has not been reported in the literature in individuals affected with LYST-related conditions. Algorithms developed to predict the effect of missense changes on protein structure and function (SIFT, PolyPhen-2, Align-GVGD) all suggest that this variant is likely to be tolerated. In summary, the available evidence is currently insufficient to determine the role of this variant in disease. Therefore, it has been classified as a Variant of Uncertain Significance.